The following is an entry in ClinVar:

NM_000455.5(STK11):c.217T>C (p.Cys73Arg)

Gene: STK11 (serine/threonine kinase 11; plus strand). Cytogenetic location: 19p13.3.
Variant type: single nucleotide variant.
Coding change: c.217T>C on transcript NM_000455.5 (MANE Select); coding-DNA position 217, T replaced by C.
Protein change: p.Cys73Arg; replaces cysteine 73 with arginine.
Molecular consequence: missense variant.
Genome position (GRCh38, 1-based): chr19:1,207,130, T>C. VCF-style: chr19-1207130-T-C. GRCh37 (hg19) VCF-style: chr19-1207129-T-C.
Other names: short protein forms C73R.
Identifiers: ClinVar variation 584982 (VCV000584982.5), dbSNP rs1568690354, ClinGen allele CA402944373.

ClinVar aggregate classification (germline): Uncertain significance. Review status: criteria provided, multiple submitters, no conflicts (2 of 4 stars). 2 submissions from 2 submitters: Uncertain significance (2). Last evaluated 2023-04-17.

Conditions:
Peutz-Jeghers syndrome (PJS). Also called: POLYPOSIS, HAMARTOMATOUS INTESTINAL; POLYPS-AND-SPOTS SYNDROME; Peutz-Jeghers polyposis; Periorificial lentiginosis syndrome. Identifiers: Orphanet 2869, MedGen C0031269, MeSH D010580, MONDO:0008280, OMIM 175200.

Submissions (2):

Labcorp Genetics (formerly Invitae), Labcorp
Classification: Uncertain significance for Peutz-Jeghers syndrome. Last evaluated: 2023-04-17. Review status: criteria provided, single submitter. Criteria: Invitae Variant Classification Sherloc (09022015). Collection method: clinical testing. Allele origin: germline.
Comment: ClinVar contains an entry for this variant (Variation ID: 584982). In summary, the available evidence is currently insufficient to determine the role of this variant in disease. Therefore, it has been classified as a Variant of Uncertain Significance. Advanced modeling of protein sequence and biophysical properties (such as structural, functional, and spatial information, amino acid conservation, physicochemical variation, residue mobility, and thermodynamic stability) performed at Invitae indicates that this missense variant is not expected to disrupt STK11 protein function. This variant has not been reported in the literature in individuals affected with STK11-related conditions. This variant is not present in population databases (gnomAD no frequency). This sequence change replaces cysteine, which is neutral and slightly polar, with arginine, which is basic and polar, at codon 73 of the STK11 protein (p.Cys73Arg).

Mendelics
Classification: Uncertain significance for Peutz-Jeghers syndrome. Last evaluated: 2018-07-02. Review status: criteria provided, single submitter. Criteria: Mendelics Assertion Criteria 2017. Collection method: clinical testing. Allele origin: unknown.